The following is an entry in ClinVar:

ClinVar aggregate classification (germline): Uncertain significance (1 of 4 stars; one submission).

Submission:

GeneDx
Classification: Uncertain significance. Last evaluated: 2026-03-05. Review status: criteria provided, single submitter. Criteria: GeneDx Variant Classification Process June 2021. Collection method: clinical testing. Allele origin: germline.
Comment: Not observed at significant frequency in large population cohorts (gnomAD); In silico analysis supports that this missense variant has a deleterious effect on protein structure/function; Has not been previously published as pathogenic or benign to our knowledge

NM_000937.5(POLR2A):c.2883G>C (p.Glu961Asp)

Gene: POLR2A (RNA polymerase II subunit A; plus strand). Cytogenetic location: 17p13.1.
Variant type: single nucleotide variant.
Coding change: c.2883G>C on transcript NM_000937.5 (MANE Select); coding-DNA position 2883, G replaced by C.
Protein change: p.Glu961Asp; replaces glutamic acid 961 with aspartic acid.
Molecular consequence: missense variant.
Genome position (GRCh38, 1-based): chr17:7,503,247, G>C. VCF-style: chr17-7503247-G-C. GRCh37 (hg19) VCF-style: chr17-7406566-G-C.
Other names: short protein forms E961D.
Identifiers: ClinVar variation 5008669 (VCV005008669.1).
Genomic context (GRCh38, chr17:7,503,247, plus strand): 5'-CGTGCTGAGCAACGCACACATCCAGAACGAGTTGGAGCGGGAATTTGAGCGGATGCGGGA[G>C]GATCGGGAGGTGCTCAGGGTCATCTTCCCAACTGGAGACAGCAAGGTGCGTGTGGGTCGA-3'
Protein context (NP_000928.1, residues 951-971): ELEREFERMR[Glu961Asp]DREVLRVIFP